The following is an entry in ClinVar:

ClinVar aggregate classification (germline): Pathogenic (1 of 4 stars; one submission).

Submission:

Labcorp Genetics (formerly Invitae), Labcorp
Classification: Pathogenic. Last evaluated: 2026-01-27. Review status: criteria provided, single submitter. Criteria: Invitae Variant Classification Sherloc (09022015). Collection method: clinical testing. Allele origin: germline.
Comment: This sequence change replaces arginine, which is basic and polar, with leucine, which is neutral and non-polar, at codon 101 of the SLC45A2 protein (p.Arg101Leu). This variant is not present in population databases (gnomAD no frequency). This missense change has been observed in individual(s) with clinical features of oculocutaneous albinism (internal data). In at least one individual the data is consistent with being in trans (on the opposite chromosome) from a pathogenic variant. Invitae Evidence Modeling of protein sequence and biophysical properties (such as structural, functional, and spatial information, amino acid conservation, physicochemical variation, residue mobility, and thermodynamic stability) indicates that this missense variant is expected to disrupt SLC45A2 protein function with a positive predictive value of 80%. This variant disrupts the p.Arg101 amino acid residue in SLC45A2. Other variant(s) that disrupt this residue have been observed in individuals with SLC45A2-related conditions (PMID: 18463683, 34897530, 38337174), which suggests that this may be a clinically significant amino acid residue. For these reasons, this variant has been classified as Pathogenic.

Literature cited by the submitters: PubMed 18463683; PubMed 34897530; PubMed 38337174.

NM_016180.5(SLC45A2):c.302G>T (p.Arg101Leu)

Gene: SLC45A2 (solute carrier family 45 member 2; minus strand). Cytogenetic location: 5p13.2.
Variant type: single nucleotide variant.
Coding change: c.302G>T on transcript NM_016180.5 (MANE Select); coding-DNA position 302, G replaced by T.
Protein change: p.Arg101Leu; replaces arginine 101 with leucine.
Molecular consequence: missense variant.
Genome position (GRCh38, 1-based): chr5:33,984,282, C>A on the plus strand (G>T on the coding strand, the complement: SLC45A2 is on the minus strand). VCF-style: chr5-33984282-C-A. GRCh37 (hg19) VCF-style: chr5-33984387-C-A.
Other names: c.302G>T, p.Arg101Leu (NM_001012509.4, NM_001297417.4); short protein forms R101L.
Identifiers: ClinVar variation 4739975 (VCV004739975.1).